The following is an entry in ClinVar:

NM_198578.4(LRRK2):c.7395C>G (p.Ser2465Arg)

Gene: LRRK2 (leucine rich repeat kinase 2; plus strand). Cytogenetic location: 12q12.
Variant type: single nucleotide variant.
Coding change: c.7395C>G on transcript NM_198578.4 (MANE Select); coding-DNA position 7395, C replaced by G.
Protein change: p.Ser2465Arg; replaces serine 2465 with arginine.
Molecular consequence: missense variant.
Genome position (GRCh38, 1-based): chr12:40,367,010, C>G. VCF-style: chr12-40367010-C-G. GRCh37 (hg19) VCF-style: chr12-40760812-C-G.
Other names: short protein forms S2465R.
Identifiers: ClinVar variation 3229788 (VCV003229788.1), dbSNP rs2137057965, ClinGen allele CA384415639.

ClinVar aggregate classification (germline): Uncertain significance (1 of 4 stars; one submission).

Conditions:
Inborn genetic diseases. Identifiers: MedGen C0950123, MeSH D030342.

Submission:

Ambry Genetics
Classification: Uncertain significance for Inborn genetic diseases. Last evaluated: 2023-10-25. Review status: criteria provided, single submitter. Criteria: Ambry Variant Classification Scheme 2023. Collection method: clinical testing. Allele origin: germline.
Comment: The p.S2465R variant (also known as c.7395C>G), located in coding exon 50 of the LRRK2 gene, results from a C to G substitution at nucleotide position 7395. The serine at codon 2465 is replaced by arginine, an amino acid with dissimilar properties. This amino acid position is conserved. In addition, this alteration is predicted to be tolerated by in silico analysis. Since supporting evidence is limited at this time, the clinical significance of this alteration remains unclear.